The following is an entry in ClinVar:

ClinVar aggregate classification (germline): Uncertain significance (1 of 4 stars; one submission).

Submission:

Ambry Genetics
Classification: Uncertain significance. Last evaluated: 2026-07-20. Review status: criteria provided, single submitter. Criteria: Ambry Variant Classification Scheme 2023. Collection method: clinical testing. Allele origin: germline.
Comment: The p.N2147Y variant (also known as c.6439A>T), located in coding exon 27 of the WNK2 gene, results from an A to T substitution at nucleotide position 6439. The asparagine at codon 2147 is replaced by tyrosine, an amino acid with dissimilar properties. This amino acid position is conserved. In addition, the in silico prediction for this alteration is inconclusive. Based on the available evidence, the clinical significance of this variant remains unclear.

NM_006648.4(WNK2):c.6439A>T (p.Asn2147Tyr)

Gene: WNK2 (WNK lysine deficient protein kinase 2; plus strand). Cytogenetic location: 9q22.31.
Variant type: single nucleotide variant.
Coding change: c.6439A>T on transcript NM_006648.4 (MANE Select); coding-DNA position 6439, A replaced by T.
Protein change: p.Asn2147Tyr; replaces asparagine 2147 with tyrosine.
Molecular consequence: missense variant.
Genome position (GRCh38, 1-based): chr9:93,308,507, A>T. VCF-style: chr9-93308507-A-T. GRCh37 (hg19) VCF-style: chr9-96070789-A-T.
Other names: c.6550A>T, p.Asn2184Tyr (NM_001282394.3); short protein forms N2147Y, N2184Y.
Identifiers: ClinVar variation 5031869 (VCV005031869.1).